The following is an entry in ClinVar:

NM_001330078.2(NRXN1):c.3049G>C (p.Ala1017Pro)

Gene: NRXN1 (neurexin 1; minus strand). Cytogenetic location: 2p16.3.
Variant type: single nucleotide variant.
Coding change: c.3049G>C on transcript NM_001330078.2 (MANE Select); coding-DNA position 3049, G replaced by C.
Protein change: p.Ala1017Pro; replaces alanine 1017 with proline.
Molecular consequence: missense variant.
Genome position (GRCh38, 1-based): chr2:50,495,926, C>G on the plus strand (G>C on the coding strand, the complement: NRXN1 is on the minus strand). VCF-style: chr2-50495926-C-G. GRCh37 (hg19) VCF-style: chr2-50723064-C-G.
Other names: c.3169G>C, p.Ala1057Pro (NM_001135659.3); c.3025G>C, p.Ala1009Pro (NM_001330077.2, NM_001330082.2); c.2983G>C, p.Ala995Pro (NM_001330083.2, NM_001330084.2); c.3022G>C, p.Ala1008Pro (NM_001330085.2); c.3049G>C, p.Ala1017Pro (NM_001330086.2, NM_004801.6); c.2938G>C, p.Ala980Pro (NM_001330087.2, NM_001330096.2); c.2968G>C, p.Ala990Pro (NM_001330088.2); c.3046G>C, p.Ala1016Pro (NM_001330093.2); and 2 more; short protein forms A1008P, A990P, A1013P, A1016P, A1017P, A1057P, A1000P, A980P.
Identifiers: ClinVar variation 955620 (VCV000955620.9), dbSNP rs2091583014, ClinGen allele CA346776280.

ClinVar aggregate classification (germline): Uncertain significance (1 of 4 stars; one submission).

Conditions:
Pitt-Hopkins-like syndrome 2 (PTHSL2). Identifiers: Orphanet 221150, Orphanet 600663, MedGen C3280479, MONDO:0013690, OMIM 614325.

Submission:

Labcorp Genetics (formerly Invitae), Labcorp
Classification: Uncertain significance for Pitt-Hopkins-like syndrome 2. Last evaluated: 2025-05-14. Review status: criteria provided, single submitter. Criteria: Invitae Variant Classification Sherloc (09022015). Collection method: clinical testing. Allele origin: germline.
Comment: This sequence change replaces alanine, which is neutral and non-polar, with proline, which is neutral and non-polar, at codon 1057 of the NRXN1 protein (p.Ala1057Pro). This variant is not present in population databases (gnomAD no frequency). This variant has not been reported in the literature in individuals affected with NRXN1-related conditions. ClinVar contains an entry for this variant (Variation ID: 955620). An algorithm developed to predict the effect of missense changes on protein structure and function (PolyPhen-2) suggests that this variant is likely to be disruptive. In summary, the available evidence is currently insufficient to determine the role of this variant in disease. Therefore, it has been classified as a Variant of Uncertain Significance.